The following is an entry in ClinVar:

NM_017617.5(NOTCH1):c.3099C>T (p.Gly1033=)

Gene: NOTCH1 (notch receptor 1; minus strand). Cytogenetic location: 9q34.3.
Variant type: single nucleotide variant.
Coding change: c.3099C>T on transcript NM_017617.5 (MANE Select); coding-DNA position 3099, C replaced by T.
Protein change: p.Gly1033=; no amino-acid change (glycine 1033 retained).
Molecular consequence: synonymous variant.
Genome position (GRCh38, 1-based): chr9:136,508,942, G>A on the plus strand (C>T on the coding strand, the complement: NOTCH1 is on the minus strand). VCF-style: chr9-136508942-G-A. GRCh37 (hg19) VCF-style: chr9-139403394-G-A.
Other names: c.3099C>T (NM_017617.4); c.3099C>T, p.Gly1033= (LRG_1122t1).
Identifiers: ClinVar variation 512888 (VCV000512888.16), dbSNP rs775567314, ClinGen allele CA5341060.
Genomic context (GRCh38, chr9:136,508,942, plus strand): 5'-GCCAGTGTAGCCCTGGGGGCAGGTGCACCTGTAGGAGCCGCAGCCGTCCTGACAGGTGCC[G>A]CCATGCAGGCAGGGCTGTGAGTCGCACTCATTGACATCGTGCTGGCAGTAGCTGCCCGTG-3'
Protein context (NP_060087.3, residues 1023-1043): NECDSQPCLH[Gly1033=]GTCQDGCGSY

ClinVar aggregate classification (germline): Likely benign. Review status: criteria provided, multiple submitters, no conflicts (2 of 4 stars). 8 submissions from 7 submitters: Likely benign (8). Last evaluated 2026-08-01.

Conditions:
Adams-Oliver syndrome 5 (AOS5). Identifiers: Orphanet 974, MedGen C4014970, MONDO:0014459, OMIM 616028.
Aortic valve disease 1 (AOVD1). Identifiers: MedGen C3887892, MONDO:0024523, OMIM 109730.
NOTCH1-related disorder. Also called: NOTCH1-related disorders; NOTCH1-related condition.
Familial thoracic aortic aneurysm and aortic dissection (TAAD). Also called: Thoracic aortic aneurysms and dissections. Identifiers: Orphanet 91387, MedGen C4707243, MONDO:0019625.

Allele frequency attached by ClinVar (database versions not stated): TOPMed 0.00001; gnomAD 0.00002; ExAC 0.00006.
gnomAD v4.1: 39 of 1,550,376 alleles (0.0025%); highest among the groups gnomAD compares: Admixed American, 0.0098%; no homozygotes.

Submissions (8):

CeGaT Center for Human Genetics Tuebingen
Classification: Likely benign. Last evaluated: 2026-08-01. Review status: criteria provided, single submitter. Criteria: CeGaT Center For Human Genetics Tuebingen Variant Classification Criteria Version 2. Collection method: clinical testing. Allele origin: germline. Affected: yes. Observed: 1 variant allele.
Comment: NOTCH1: BP4, BP7

Labcorp Genetics (formerly Invitae), Labcorp
Classification: Likely benign for Adams-Oliver syndrome 5. Last evaluated: 2025-10-11. Review status: criteria provided, single submitter. Criteria: Invitae Variant Classification Sherloc (09022015). Collection method: clinical testing. Allele origin: germline.

PreventionGenetics, part of Exact Sciences
Classification: Likely benign for NOTCH1-related condition. Last evaluated: 2024-12-04. Review status: criteria provided, single submitter. Criteria: ACMG Guidelines, 2015. Collection method: clinical testing. Allele origin: germline.
Comment: This variant is classified as likely benign based on ACMG/AMP sequence variant interpretation guidelines (Richards et al. 2015 PMID: 25741868, with internal and published modifications).

ARUP Laboratories, Molecular Genetics and Genomics, ARUP Laboratories
Classification: Likely benign. Last evaluated: 2024-02-07. Review status: criteria provided, single submitter. Criteria: ARUP Molecular Germline Variant Investigation Process 2024. Collection method: clinical testing. Allele origin: germline.

Genome-Nilou Lab
Classification: Likely benign for Adams-Oliver syndrome 5. Last evaluated: 2022-03-15. Review status: criteria provided, single submitter. Criteria: ACMG Guidelines, 2015. Collection method: clinical testing. Allele origin: germline. Affected: no.

Genome-Nilou Lab
Classification: Likely benign for Aortic valve disease 1. Last evaluated: 2022-03-15. Review status: criteria provided, single submitter. Criteria: ACMG Guidelines, 2015. Collection method: clinical testing. Allele origin: germline. Affected: no.

GeneDx
Classification: Likely benign. Last evaluated: 2020-02-27. Review status: criteria provided, single submitter. Criteria: GeneDx Variant Classification Process June 2021. Collection method: clinical testing. Allele origin: germline. Affected: yes.

Ambry Genetics
Classification: Likely benign for Familial thoracic aortic aneurysm and aortic dissection. Last evaluated: 2016-12-07. Review status: criteria provided, single submitter. Criteria: Ambry Variant Classification Scheme 2023. Collection method: clinical testing. Allele origin: germline.